The following is an entry in ClinVar:

ClinVar aggregate classification (germline): Uncertain significance (1 of 4 stars; one submission).

Conditions:
Brugada syndrome. Also called: Sudden unexpected nocturnal death syndrome; Sudden Unexplained Death Syndrome; Sudden Unexplained Nocturnal Death Syndrome (SUNDS); Sudden unexplained nocturnal death syndrome. Identifiers: Orphanet 130, MedGen C1142166, MONDO:0015263.

Allele frequency attached by ClinVar (database versions not stated): gnomAD exomes 0.00001; ExAC 0.00002.
gnomAD v4.1: 4 of 1,607,394 alleles (0.00025%); highest among the groups gnomAD compares: South Asian, 0.0011%; no homozygotes.

Submission:

Labcorp Genetics (formerly Invitae), Labcorp
Classification: Uncertain significance for Brugada syndrome. Last evaluated: 2020-11-06. Review status: criteria provided, single submitter. Criteria: Invitae Variant Classification Sherloc (09022015). Collection method: clinical testing. Allele origin: germline.
Comment: In summary, the available evidence is currently insufficient to determine the role of this variant in disease. Therefore, it has been classified as a Variant of Uncertain Significance. Algorithms developed to predict the effect of missense changes on protein structure and function output the following: SIFT: "Tolerated"; PolyPhen-2: "Benign"; Align-GVGD: "Class C0". The isoleucine amino acid residue is found in multiple mammalian species, suggesting that this missense change does not adversely affect protein function. These predictions have not been confirmed by published functional studies and their clinical significance is uncertain. This variant has not been reported in the literature in individuals with CACNA2D1-related conditions. This variant is present in population databases (rs767475523, ExAC 0.003%). This sequence change replaces valine with isoleucine at codon 693 of the CACNA2D1 protein (p.Val693Ile). The valine residue is moderately conserved and there is a small physicochemical difference between valine and isoleucine.

NM_000722.4(CACNA2D1):c.2077G>A (p.Val693Ile)

Gene: CACNA2D1 (calcium voltage-gated channel auxiliary subunit alpha2delta 1; minus strand). Cytogenetic location: 7q21.11.
Variant type: single nucleotide variant.
Coding change: c.2077G>A on transcript NM_000722.4 (MANE Select); coding-DNA position 2077, G replaced by A.
Protein change: p.Val693Ile; replaces valine 693 with isoleucine.
Molecular consequence: missense variant.
Genome position (GRCh38, 1-based): chr7:81,971,841, C>T on the plus strand (G>A on the coding strand, the complement: CACNA2D1 is on the minus strand). VCF-style: chr7-81971841-C-T. GRCh37 (hg19) VCF-style: chr7-81601157-C-T.
Other names: c.2113G>A, p.Val705Ile (NM_001366867.1); short protein forms V693I, V705I.
Identifiers: ClinVar variation 1477037 (VCV001477037.8), dbSNP rs767475523, ClinGen allele CA4317752.